The following is an entry in ClinVar:

ClinVar aggregate classification (germline): Uncertain significance (1 of 4 stars; one submission).

Conditions:
Inborn genetic diseases. Identifiers: MedGen C0950123, MeSH D030342.

gnomAD v4.1: 1 of 1,614,014 alleles (0.000062%); highest among the groups gnomAD compares: South Asian, 0.0011%; no homozygotes.

Submission:

Ambry Genetics
Classification: Uncertain significance for Inborn genetic diseases. Last evaluated: 2026-06-17. Review status: criteria provided, single submitter. Criteria: Ambry Variant Classification Scheme 2023. Collection method: clinical testing. Allele origin: germline.
Comment: The p.A225V variant (also known as c.674C>T), located in coding exon 1 of the SAMD9 gene, results from a C to T substitution at nucleotide position 674. The alanine at codon 225 is replaced by valine, an amino acid with similar properties. This amino acid position is conserved. In addition, this alteration is predicted to be tolerated by in silico analysis. Based on the available evidence, the clinical significance of this variant remains unclear.

NM_017654.4(SAMD9):c.674C>T (p.Ala225Val)

Gene: SAMD9 (sterile alpha motif domain containing 9; minus strand). Cytogenetic location: 7q21.2.
Variant type: single nucleotide variant.
Coding change: c.674C>T on transcript NM_017654.4 (MANE Select); coding-DNA position 674, C replaced by T.
Protein change: p.Ala225Val; replaces alanine 225 with valine.
Molecular consequence: missense variant.
Genome position (GRCh38, 1-based): chr7:93,105,424, G>A on the plus strand (C>T on the coding strand, the complement: SAMD9 is on the minus strand). VCF-style: chr7-93105424-G-A. GRCh37 (hg19) VCF-style: chr7-92734737-G-A.
Other names: c.674C>T, p.Ala225Val (NM_001193307.2); short protein forms A225V.
Identifiers: ClinVar variation 5028727 (VCV005028727.1).